The following is an entry in ClinVar:

ClinVar aggregate classification (germline): Uncertain significance (1 of 4 stars; one submission).

Conditions:
Adams-Oliver syndrome 5 (AOS5). Identifiers: Orphanet 974, MedGen C4014970, MONDO:0014459, OMIM 616028.

Submission:

Labcorp Genetics (formerly Invitae), Labcorp
Classification: Uncertain significance for Adams-Oliver syndrome 5. Last evaluated: 2022-05-03. Review status: criteria provided, single submitter. Criteria: Invitae Variant Classification Sherloc (09022015). Collection method: clinical testing. Allele origin: germline.
Comment: In summary, the available evidence is currently insufficient to determine the role of this variant in disease. Therefore, it has been classified as a Variant of Uncertain Significance. Advanced modeling of protein sequence and biophysical properties (such as structural, functional, and spatial information, amino acid conservation, physicochemical variation, residue mobility, and thermodynamic stability) performed at Invitae indicates that this missense variant is not expected to disrupt NOTCH1 protein function. This variant has not been reported in the literature in individuals affected with NOTCH1-related conditions. This variant is not present in population databases (gnomAD no frequency). This sequence change replaces alanine, which is neutral and non-polar, with glutamic acid, which is acidic and polar, at codon 1562 of the NOTCH1 protein (p.Ala1562Glu).

NM_017617.5(NOTCH1):c.4685C>A (p.Ala1562Glu)

Gene: NOTCH1 (notch receptor 1; minus strand). Cytogenetic location: 9q34.3.
Variant type: single nucleotide variant.
Coding change: c.4685C>A on transcript NM_017617.5 (MANE Select); coding-DNA position 4685, C replaced by A.
Protein change: p.Ala1562Glu; replaces alanine 1562 with glutamic acid.
Molecular consequence: missense variant.
Genome position (GRCh38, 1-based): chr9:136,505,006, G>T on the plus strand (C>A on the coding strand, the complement: NOTCH1 is on the minus strand). VCF-style: chr9-136505006-G-T. GRCh37 (hg19) VCF-style: chr9-139399458-G-T.
Other names: short protein forms A1562E.
Identifiers: ClinVar variation 2099577 (VCV002099577.4), dbSNP rs752839680, ClinGen allele CA375645526.